The following is an entry in ClinVar:

NM_005876.5(SPEG):c.1620C>G (p.Ser540=)

Gene: SPEG (striated muscle enriched protein kinase; plus strand). Cytogenetic location: 2q35.
Variant type: single nucleotide variant.
Coding change: c.1620C>G on transcript NM_005876.5 (MANE Select); coding-DNA position 1620, C replaced by G.
Protein change: p.Ser540=; no amino-acid change (serine 540 retained).
Molecular consequence: synonymous variant.
Genome position (GRCh38, 1-based): chr2:219,448,778, C>G. VCF-style: chr2-219448778-C-G. GRCh37 (hg19) VCF-style: chr2-220313500-C-G.
Other names: c.1620C>G (NM_005876.4).
Identifiers: ClinVar variation 1558509 (VCV001558509.34), dbSNP rs561887937, ClinGen allele CA2125703.

ClinVar aggregate classification (germline): Benign/Likely benign. Review status: criteria provided, multiple submitters, no conflicts (2 of 4 stars). 4 submissions from 4 submitters: Benign (1); Likely benign (2). 1 of the submissions does not count toward it. Last evaluated 2025-11-18.

Conditions:
SPEG-related disorder. Also called: SPEG-related condition.

Allele frequency attached by ClinVar (database versions not stated): TOPMed 0.00058; 1000 Genomes Project 0.00060; gnomAD exomes 0.00104 and 0.00234; ExAC 0.00121; 1000 Genomes Project 30x 0.00234; gnomAD 0.00302 and 0.00305.
gnomAD v4.1: 1,801 of 1,434,940 alleles (0.13%); highest among the groups gnomAD compares: East Asian, 0.94%; 24 homozygotes.

Submissions (4):

Labcorp Genetics (formerly Invitae), Labcorp
Classification: Benign. Last evaluated: 2025-11-18. Review status: criteria provided, single submitter. Criteria: Invitae Variant Classification Sherloc (09022015). Collection method: clinical testing. Allele origin: germline.

Blueprint Genetics
Classification: Likely benign. Last evaluated: 2024-11-26. Review status: criteria provided, single submitter. Criteria: ACMG Guidelines, 2015. Collection method: clinical testing. Allele origin: germline.

CeGaT Center for Human Genetics Tuebingen
Classification: Likely benign. Last evaluated: 2023-10-01. Review status: criteria provided, single submitter. Criteria: CeGaT Center For Human Genetics Tuebingen Variant Classification Criteria Version 2. Collection method: clinical testing. Allele origin: germline. Affected: yes. Observed: 1 variant allele.
Comment: SPEG: BP4, BP7, BS1

PreventionGenetics, part of Exact Sciences
Classification: Benign for SPEG-related condition. Last evaluated: 2019-05-24. Review status: no assertion criteria provided. Collection method: clinical testing. Allele origin: germline. Not counted in ClinVar's aggregate classification.
Comment: This variant is classified as benign based on ACMG/AMP sequence variant interpretation guidelines (Richards et al. 2015 PMID: 25741868, with internal and published modifications).